The following is an entry in ClinVar:

ClinVar aggregate classification (germline): Uncertain significance (1 of 4 stars; one submission).

Conditions:
Heparin cofactor II deficiency. Also called: HCF II DEFICIENCY; HCF2 DEFICIENCY; THROMBOPHILIA DUE TO HEPARIN COFACTOR II DEFICIENCY; Heparin cofactor 2 deficiency. Identifiers: MedGen C0398626, MONDO:0012876, OMIM 612356.

gnomAD v4.1: 41 of 1,614,126 alleles (0.0025%); highest among the groups gnomAD compares: African/African-American, 0.029%; no homozygotes.

Submission:

Department of Traditional Chinese Medicine, Fujian Provincial Hospital
Classification: Uncertain significance for Heparin cofactor II deficiency. Review status: criteria provided, single submitter. Criteria: ACMG Guidelines, 2015. Collection method: research. Allele origin: inherited.

Literature cited by the submitters: PubMed 8902986.

NM_000185.4(SERPIND1):c.940C>T (p.Arg314Trp)

Genes: PI4KA (phosphatidylinositol 4-kinase alpha; minus strand), SERPIND1 (serpin family D member 1; plus strand). Cytogenetic location: 22q11.21.
Variant type: single nucleotide variant.
Coding change: c.940C>T on transcript NM_000185.4 (MANE Select); coding-DNA position 940, C replaced by T.
Protein change: p.Arg314Trp; replaces arginine 314 with tryptophan.
Molecular consequence: missense variant. On other transcripts: intron variant (3).
Genome position (GRCh38, 1-based): chr22:20,784,022, C>T. VCF-style: chr22-20784022-C-T. GRCh37 (hg19) VCF-style: chr22-21138310-C-T.
Other names: c.2262+9171G>A (NM_001362863.2); c.2328+9171G>A (NM_001362862.2, NM_058004.4); short protein forms R314W.
Identifiers: ClinVar variation 3778884 (VCV003778884.1).